The following is an entry in ClinVar:

NM_014709.4(USP34):c.9296T>C (p.Ile3099Thr)

Gene: USP34 (ubiquitin specific peptidase 34; minus strand). Cytogenetic location: 2p15.
Variant type: single nucleotide variant.
Coding change: c.9296T>C on transcript NM_014709.4 (MANE Select); coding-DNA position 9296, T replaced by C.
Protein change: p.Ile3099Thr; replaces isoleucine 3099 with threonine.
Molecular consequence: missense variant.
Genome position (GRCh38, 1-based): chr2:61,204,344, A>G on the plus strand (T>C on the coding strand, the complement: USP34 is on the minus strand). VCF-style: chr2-61204344-A-G. GRCh37 (hg19) VCF-style: chr2-61431479-A-G.
Other names: short protein forms I3099T.
Identifiers: ClinVar variation 4828608 (VCV004828608.1).

ClinVar aggregate classification (germline): Uncertain significance (1 of 4 stars; one submission).

gnomAD v4.1: 92 of 1,614,206 alleles (0.0057%); highest among the groups gnomAD compares: Middle Eastern, 0.35%; no homozygotes.

Submission:

Ambry Genetics
Classification: Uncertain significance. Last evaluated: 2026-01-12. Review status: criteria provided, single submitter. Criteria: Ambry Variant Classification Scheme 2023. Collection method: clinical testing. Allele origin: germline.
Comment: The c.9296T>C (p.I3099T) alteration is located in exon 74 (coding exon 74) of the USP34 gene. This alteration results from a T to C substitution at nucleotide position 9296, causing the isoleucine (I) at amino acid position 3099 to be replaced by a threonine (T). Based on data from gnomAD, the C allele has an overall frequency of 0.007% (19/280778) total alleles studied. The highest observed frequency was 0.056% (4/7142) of Other alleles. Based on insufficient or conflicting evidence, the clinical significance of this alteration remains unclear.